The following is an entry in ClinVar:

ClinVar aggregate classification (germline): Uncertain significance (1 of 4 stars; one submission).

Conditions:
Early-infantile DEE. Also called: Early infantile epileptic encephalopathy; Early infantile epileptic encephalopathy with suppression bursts; Ohtahara syndrome. Identifiers: Orphanet 1934, MedGen C0393706, MONDO:0800491.

Allele frequency attached by ClinVar (database versions not stated): gnomAD exomes below 0.00001; TOPMed below 0.00001; gnomAD 0.00001.
gnomAD v4.1: 7 of 1,613,088 alleles (0.00043%); highest among the groups gnomAD compares: Middle Eastern, 0.036%; no homozygotes.

Submission:

Labcorp Genetics (formerly Invitae), Labcorp
Classification: Uncertain significance for Early-infantile DEE. Last evaluated: 2023-09-15. Review status: criteria provided, single submitter. Criteria: Invitae Variant Classification Sherloc (09022015). Collection method: clinical testing. Allele origin: germline.
Comment: In summary, the available evidence is currently insufficient to determine the role of this variant in disease. Therefore, it has been classified as a Variant of Uncertain Significance. This sequence change falls in intron 7 of the KCNQ2 gene. It does not directly change the encoded amino acid sequence of the KCNQ2 protein. It affects a nucleotide within the consensus splice site. This variant is not present in population databases (gnomAD no frequency). This variant has not been reported in the literature in individuals affected with KCNQ2-related conditions. ClinVar contains an entry for this variant (Variation ID: 861328). Variants that disrupt the consensus splice site are a relatively common cause of aberrant splicing (PMID: 17576681, 9536098). Algorithms developed to predict the effect of sequence changes on RNA splicing suggest that this variant is not likely to affect RNA splicing.

Literature cited by the submitters: PubMed 17576681; PubMed 9536098.

NM_172107.4(KCNQ2):c.1024-3C>T

Gene: KCNQ2 (potassium voltage-gated channel subfamily Q member 2; minus strand). Cytogenetic location: 20q13.33.
Variant type: single nucleotide variant.
Coding change: c.1024-3C>T on transcript NM_172107.4 (MANE Select); 3 bases into the intron before coding-DNA position 1024, C replaced by T.
Molecular consequence: intron variant.
Genome position (GRCh38, 1-based): chr20:63,433,906, G>A on the plus strand (C>T on the coding strand, the complement: KCNQ2 is on the minus strand). VCF-style: chr20-63433906-G-A. GRCh37 (hg19) VCF-style: chr20-62065259-G-A.
Other names: c.1024-3C>T (NM_004518.6, NM_172108.5, NM_172106.3 and 1 more transcripts).
Identifiers: ClinVar variation 861328 (VCV000861328.10), dbSNP rs2080907472, ClinGen allele CA511206195.